The following is an entry in ClinVar:

ClinVar aggregate classification (germline): Uncertain significance (1 of 4 stars; one submission).

Submission:

Labcorp Genetics (formerly Invitae), Labcorp
Classification: Uncertain significance. Last evaluated: 2024-06-04. Review status: criteria provided, single submitter. Criteria: Invitae Variant Classification Sherloc (09022015). Collection method: clinical testing. Allele origin: germline.
Comment: This sequence change replaces isoleucine, which is neutral and non-polar, with methionine, which is neutral and non-polar, at codon 1542 of the FLNB protein (p.Ile1542Met). This variant is not present in population databases (gnomAD no frequency). This variant has not been reported in the literature in individuals affected with FLNB-related conditions. Advanced modeling of protein sequence and biophysical properties (such as structural, functional, and spatial information, amino acid conservation, physicochemical variation, residue mobility, and thermodynamic stability) performed at Invitae indicates that this missense variant is not expected to disrupt FLNB protein function with a negative predictive value of 95%. In summary, the available evidence is currently insufficient to determine the role of this variant in disease. Therefore, it has been classified as a Variant of Uncertain Significance.

NM_001457.4(FLNB):c.4626T>G (p.Ile1542Met)

Gene: FLNB (filamin B; plus strand). Cytogenetic location: 3p14.3.
Variant type: single nucleotide variant.
Coding change: c.4626T>G on transcript NM_001457.4 (MANE Select); coding-DNA position 4626, T replaced by G.
Protein change: p.Ile1542Met; replaces isoleucine 1542 with methionine.
Molecular consequence: missense variant.
Genome position (GRCh38, 1-based): chr3:58,134,727, T>G. VCF-style: chr3-58134727-T-G. GRCh37 (hg19) VCF-style: chr3-58120454-T-G.
Other names: c.4719T>G, p.Ile1573Met (NM_001164317.2); c.4626T>G, p.Ile1542Met (NM_001164318.2, NM_001164319.2); short protein forms I1573M, I1542M.
Identifiers: ClinVar variation 3635731 (VCV003635731.2).